The following is an entry in ClinVar:

ClinVar aggregate classification (germline): Uncertain significance (1 of 4 stars; one submission).

Conditions:
Cardiac arrhythmia. Also called: Arrhythmia; Cardiac rhythm disease. Identifiers: MedGen C0003811, MONDO:0007263, HP:0011675.

Allele frequency attached by ClinVar (database versions not stated): gnomAD exomes 0.00001; TOPMed 0.00001.

Submission:

Labcorp Genetics (formerly Invitae), Labcorp
Classification: Uncertain significance for Cardiac arrhythmia. Last evaluated: 2024-04-24. Review status: criteria provided, single submitter. Criteria: Invitae Variant Classification Sherloc (09022015). Collection method: clinical testing. Allele origin: germline.
Comment: This sequence change replaces leucine, which is neutral and non-polar, with valine, which is neutral and non-polar, at codon 140 of the RANGRF protein (p.Leu140Val). This variant is present in population databases (no rsID available, gnomAD 0.002%). This variant has not been reported in the literature in individuals affected with RANGRF-related conditions. Algorithms developed to predict the effect of missense changes on protein structure and function output the following: SIFT: "Not Available"; PolyPhen-2: "Benign"; Align-GVGD: "Not Available". The valine amino acid residue is found in multiple mammalian species, which suggests that this missense change does not adversely affect protein function. In summary, the available evidence is currently insufficient to determine the role of this variant in disease. Therefore, it has been classified as a Variant of Uncertain Significance.

NM_016492.5(RANGRF):c.418C>G (p.Leu140Val)

Genes: RANGRF (RAN guanine nucleotide release factor; plus strand), SLC25A35 (solute carrier family 25 member 35; minus strand). Cytogenetic location: 17p13.1.
Variant type: single nucleotide variant.
Coding change: c.418C>G on transcript NM_016492.5 (MANE Select); coding-DNA position 418, C replaced by G.
Protein change: p.Leu140Val; replaces leucine 140 with valine.
Molecular consequence: missense variant. On other transcripts: 3 prime UTR variant (2), non-coding transcript variant (1), intron variant (3).
Genome position (GRCh38, 1-based): chr17:8,289,569, C>G. VCF-style: chr17-8289569-C-G. GRCh37 (hg19) VCF-style: chr17-8192887-C-G.
Other names: c.418C>G, p.Leu140Val (NM_001177801.2); c.*8C>G (NM_001177802.2); c.*47G>C (NM_201520.3); c.*42+5G>C (NM_001320871.2, NM_001320872.2); c.351+155C>G (NM_001330127.2); short protein forms L140V.
Identifiers: ClinVar variation 2741254 (VCV002741254.3), dbSNP rs1264607708, ClinGen allele CA397996687.